The following is an entry in ClinVar:

NM_000212.3(ITGB3):c.*671C>T

Genes: EFCAB13-DT (EFCAB13 divergent transcript; minus strand), ITGB3 (integrin subunit beta 3; plus strand). Cytogenetic location: 17q21.32.
Variant type: single nucleotide variant.
Coding change: c.*671C>T on transcript NM_000212.3 (MANE Select); 671 bases downstream of the stop codon, C replaced by T.
Molecular consequence: 3 prime UTR variant.
Genome position (GRCh38, 1-based): chr17:47,310,875, C>T. VCF-style: chr17-47310875-C-T. GRCh37 (hg19) VCF-style: chr17-45388241-C-T.
Identifiers: ClinVar variation 323884 (VCV000323884.6), dbSNP rs16941864, ClinGen allele CA10650395.

ClinVar aggregate classification (germline): Benign. Review status: criteria provided, multiple submitters, no conflicts (2 of 4 stars). 2 submissions from 2 submitters: Benign (2). Last evaluated 2018-01-13.

Conditions:
Glanzmann thrombasthenia. Also called: PLATELET GLYCOPROTEIN IIb-IIIa DEFICIENCY; Thrombasthenia; Glanzmann's thrombasthenia; BLEEDING DISORDER, PLATELET-TYPE, 2; THROMBASTHENIA OF GLANZMANN AND NAEGELI. Identifiers: Orphanet 849, MedGen C0040015, MONDO:0100326.

Allele frequency attached by ClinVar (database versions not stated): 1000 Genomes Project 0.02356; 1000 Genomes Project 30x 0.02467; gnomAD 0.04127 and 0.04199; gnomAD exomes 0.04182; TOPMed 0.04416.
gnomAD v4.1: 6,775 of 161,890 alleles (4.2%); highest among the groups gnomAD compares: Middle Eastern, 15%; 200 homozygotes.

Submissions (2):

Illumina Laboratory Services, Illumina
Classification: Benign for Glanzmann thrombasthenia 1. Last evaluated: 2018-01-13. Review status: criteria provided, single submitter. Criteria: ICSL Variant Classification Criteria 13 December 2019. Collection method: clinical testing. Allele origin: germline.
Comment: This variant was observed in the ICSL laboratory as part of a predisposition screen in an ostensibly healthy population. It had not been previously curated by ICSL or reported in the Human Gene Mutation Database (HGMD: prior to June 1st, 2018), and was therefore a candidate for classification through an automated scoring system. Utilizing variant allele frequency, disease prevalence and penetrance estimates, and inheritance mode, an automated score was calculated to assess if this variant is too frequent to cause the disease. Based on the score and internal cut-off values, a variant classified as benign is not then subjected to further curation. The score for this variant resulted in a classification of benign for this disease.

Breakthrough Genomics
Classification: Benign. Review status: criteria provided, single submitter. Criteria: ACMG Guidelines, 2015. Collection method: not provided. Allele origin: germline. Inheritance: Autosomal recessive inheritance. Affected: yes.